The following is an entry in ClinVar:

ClinVar aggregate classification (germline): Benign (1 of 4 stars; one submission).

Allele frequency attached by ClinVar (database versions not stated): gnomAD exomes 0.00016 and 0.00043; ExAC 0.00067; ESP Exome Variant Server 0.00124; 1000 Genomes Project 0.00140; 1000 Genomes Project 30x 0.00141; gnomAD 0.00145 and 0.00159; TOPMed 0.00169.
gnomAD v4.1: 463 of 1,601,930 alleles (0.029%); highest among the groups gnomAD compares: African/African-American, 0.51%; 1 homozygote.

Submission:

GeneDx
Classification: Benign. Last evaluated: 2014-05-28. Review status: criteria provided, single submitter. Criteria: GeneDx Variant Classification (06012015). Collection method: clinical testing. Allele origin: germline. Affected: yes.
Comment: This variant is considered likely benign or benign based on one or more of the following criteria: it is a conservative change, it occurs at a poorly conserved position in the protein, it is predicted to be benign by multiple in silico algorithms, and/or has population frequency not consistent with disease.

NM_001999.4(FBN2):c.-24G>C

Gene: FBN2 (fibrillin 2; minus strand). Cytogenetic location: 5q23.3.
Variant type: single nucleotide variant.
Coding change: c.-24G>C on transcript NM_001999.4 (MANE Select); 24 bases upstream of the start codon, G replaced by C.
Molecular consequence: 5 prime UTR variant.
Genome position (GRCh38, 1-based): chr5:128,537,627, C>G on the plus strand (G>C on the coding strand, the complement: FBN2 is on the minus strand). VCF-style: chr5-128537627-C-G. GRCh37 (hg19) VCF-style: chr5-127873320-C-G.
Identifiers: ClinVar variation 137361 (VCV000137361.1), dbSNP rs190369608, ClinGen allele CA290911.